The following is an entry in ClinVar:

NM_000158.4(GBE1):c.1386C>G (p.Tyr462Ter)

Gene: GBE1 (1,4-alpha-glucan branching enzyme 1; minus strand). Cytogenetic location: 3p12.2.
Variant type: single nucleotide variant.
Coding change: c.1386C>G on transcript NM_000158.4 (MANE Select); coding-DNA position 1386, C replaced by G.
Protein change: p.Tyr462Ter; replaces tyrosine 462 with a stop codon.
Molecular consequence: nonsense.
Genome position (GRCh38, 1-based): chr3:81,581,225, G>C on the plus strand (C>G on the coding strand, the complement: GBE1 is on the minus strand). VCF-style: chr3-81581225-G-C. GRCh37 (hg19) VCF-style: chr3-81630376-G-C.
Other names: short protein forms Y462*.
Identifiers: ClinVar variation 834756 (VCV000834756.6), dbSNP rs1703726090, ClinGen allele CA353685068.

ClinVar aggregate classification (germline): Pathogenic (1 of 4 stars; one submission).

Conditions:
Glycogen storage disease, type IV (GSD4). Also called: AMYLOPECTINOSIS; ANDERSEN DISEASE; BRANCHER DEFICIENCY; CIRRHOSIS, FAMILIAL, WITH DEPOSITION OF ABNORMAL GLYCOGEN; GBE1 DEFICIENCY; GLYCOGEN BRANCHING ENZYME DEFICIENCY. Identifiers: Orphanet 367, MedGen C0017923, MONDO:0009292, OMIM 232500.
Glycogen storage disease IV, classic hepatic. Also called: GSD IV, CLASSIC HEPATIC. Identifiers: MedGen C1856301.

Submission:

Labcorp Genetics (formerly Invitae), Labcorp
Classification: Pathogenic for Glycogen storage disease, type IV; Glycogen storage disease IV, classic hepatic. Last evaluated: 2023-09-19. Review status: criteria provided, single submitter. Criteria: Invitae Variant Classification Sherloc (09022015). Collection method: clinical testing. Allele origin: germline.
Comment: This sequence change creates a premature translational stop signal (p.Tyr462*) in the GBE1 gene. It is expected to result in an absent or disrupted protein product. Loss-of-function variants in GBE1 are known to be pathogenic (PMID: 15452297, 20058079). This variant is not present in population databases (gnomAD no frequency). This variant has not been reported in the literature in individuals affected with GBE1-related conditions. ClinVar contains an entry for this variant (Variation ID: 834756). For these reasons, this variant has been classified as Pathogenic.

Literature cited by the submitters: PubMed 15452297; PubMed 20058079.